The following is an entry in ClinVar:

NM_001754.5(RUNX1):c.671G>A (p.Arg224Gln)

Gene: RUNX1 (RUNX family transcription factor 1; minus strand). Cytogenetic location: 21q22.12.
Variant type: single nucleotide variant.
Coding change: c.671G>A on transcript NM_001754.5 (MANE Select); coding-DNA position 671, G replaced by A.
Protein change: p.Arg224Gln; replaces arginine 224 with glutamine.
Molecular consequence: missense variant.
Genome position (GRCh38, 1-based): chr21:34,834,544, C>T on the plus strand (G>A on the coding strand, the complement: RUNX1 is on the minus strand). VCF-style: chr21-34834544-C-T. GRCh37 (hg19) VCF-style: chr21-36206841-C-T.
Other names: NM_001754.5(RUNX1):c.671G>A; p.Arg224Gln; c.590G>A, p.Arg197Gln (NM_001001890.3, NM_001122607.2); short protein forms R224Q, R197Q.
Identifiers: ClinVar variation 580214 (VCV000580214.12), dbSNP rs754894156, ClinGen allele CA10014380.
Genomic context (GRCh38, chr21:34,834,544, plus strand): 5'-GCTGGGTGGTGTGGGCTGACCCTCATGGCTGTGCGCCGCAGCTGCTCCAGTTCACTGAGC[C>T]GCTCGGAAAAGGACAAGCTCCCGGGCTTGGTCTGATCATCTAGTTTCTGCCGATGTCCTA-3'
Protein context (NP_001745.2, residues 214-234): TKPGSLSFSE[Arg224Gln]LSELEQLRRT

ClinVar aggregate classification (germline): Uncertain significance. Review status: reviewed by expert panel (3 of 4 stars). 4 submissions from 4 submitters: Uncertain significance (1). 3 of the submissions do not count toward it. Last evaluated 2025-05-02.

Conditions:
Hereditary thrombocytopenia and hematological cancer predisposition syndrome associated with RUNX1. Also called: PLATELET DISORDER, ASPIRIN-LIKE; Familial thrombocytopenia with propensity to acute myelogenous leukemia; Familial Platelet Disorder with Propensity to Acute Myelogenous Leukemia; RUNX1 Familial Platelet Disorder with Associated Myeloid Malignancies. Identifiers: Orphanet 71290, MedGen C1832388, MeSH C563324, MONDO:0100083, OMIM 601399.
Hereditary thrombocytopenia and hematologic cancer predisposition syndrome. Identifiers: Orphanet 71290, MedGen CN281654, MONDO:0011071.
Inborn genetic diseases. Identifiers: MedGen C0950123, MeSH D030342.
Acute myeloid leukemia (AML). Also called: Leukemia, acute myeloid, somatic; Leukemia, acute myelogenous, somatic; Acute myeloid leukemia, adult; AML adult; Acute non-lymphocytic leukemia; Acute granulocytic leukemia. Identifiers: Orphanet 519, MedGen C0023467, MeSH D015470, MONDO:0018874, OMIM 601626, HP:0004808. Disease mechanism: Constitutively activated FLT3.

Allele frequency attached by ClinVar (database versions not stated): gnomAD exomes below 0.00001; ExAC 0.00001.
gnomAD v4.1: 4 of 1,611,650 alleles (0.00025%); highest among the groups gnomAD compares: East Asian, 0.0022%; no homozygotes.

Submissions (4):

ClinGen Myeloid Malignancy Variant Curation Expert Panel
Classification: Uncertain significance for Hereditary thrombocytopenia and hematologic cancer predisposition syndrome. Last evaluated: 2025-05-02. Review status: reviewed by expert panel. Criteria: ClinGen MyeloMalig ACMG Specifications v2. Collection method: curation. Allele origin: germline. Inheritance: Autosomal dominant inheritance.
Comment: NM_001754.5(RUNX1):c.671G>A (p.Arg224Gln) is a missense variant which does not meet any ACMG/AMP criteria. In summary, the clinical significance of this variant is uncertain. ACMG/AMP criteria applied, as specified by the Myeloid Malignancy Variant Curation Expert Panel for RUNX1: None.

Ambry Genetics
Classification: Uncertain significance for Inborn genetic diseases. Last evaluated: 2025-08-30. Review status: criteria provided, single submitter. Criteria: Ambry Variant Classification Scheme 2023. Collection method: clinical testing. Allele origin: germline. Not counted in ClinVar's aggregate classification.
Comment: The p.R224Q variant (also known as c.671G>A), located in coding exon 6 of the RUNX1 gene, results from a G to A substitution at nucleotide position 671. The arginine at codon 224 is replaced by glutamine, an amino acid with highly similar properties. This amino acid position is conserved. In addition, this alteration is predicted to be deleterious by in silico analysis. Based on the available evidence, the clinical significance of this variant remains unclear.

Labcorp Genetics (formerly Invitae), Labcorp
Classification: Uncertain significance for Hereditary thrombocytopenia and hematological cancer predisposition syndrome associated with RUNX1. Last evaluated: 2024-08-15. Review status: criteria provided, single submitter. Criteria: Invitae Variant Classification Sherloc (09022015). Collection method: clinical testing. Allele origin: germline. Not counted in ClinVar's aggregate classification.
Comment: This sequence change replaces arginine, which is basic and polar, with glutamine, which is neutral and polar, at codon 224 of the RUNX1 protein (p.Arg224Gln). This variant is present in population databases (rs754894156, gnomAD 0.0009%). This variant has not been reported in the literature in individuals affected with RUNX1-related conditions. ClinVar contains an entry for this variant (Variation ID: 580214). Invitae Evidence Modeling of protein sequence and biophysical properties (such as structural, functional, and spatial information, amino acid conservation, physicochemical variation, residue mobility, and thermodynamic stability) indicates that this missense variant is not expected to disrupt RUNX1 protein function with a negative predictive value of 80%. In summary, the available evidence is currently insufficient to determine the role of this variant in disease. Therefore, it has been classified as a Variant of Uncertain Significance.

Baylor Genetics
Classification: Uncertain significance for Acute myeloid leukemia. Last evaluated: 2023-10-23. Review status: criteria provided, single submitter. Criteria: ACMG Guidelines, 2015. Collection method: clinical testing. Allele origin: unknown. Not counted in ClinVar's aggregate classification.